The following is an entry in ClinVar:

NM_001376.5(DYNC1H1):c.5218A>G (p.Thr1740Ala)

Gene: DYNC1H1 (dynein cytoplasmic 1 heavy chain 1; plus strand). Cytogenetic location: 14q32.31.
Variant type: single nucleotide variant.
Coding change: c.5218A>G on transcript NM_001376.5 (MANE Select); coding-DNA position 5218, A replaced by G.
Protein change: p.Thr1740Ala; replaces threonine 1740 with alanine.
Molecular consequence: missense variant.
Genome position (GRCh38, 1-based): chr14:102,004,930, A>G. VCF-style: chr14-102004930-A-G. GRCh37 (hg19) VCF-style: chr14-102471267-A-G.
Other names: short protein forms T1740A.
Identifiers: ClinVar variation 2995788 (VCV002995788.3), dbSNP rs2503739226, ClinGen allele CA391045721.

ClinVar aggregate classification (germline): Uncertain significance (1 of 4 stars; one submission).

Conditions:
Charcot-Marie-Tooth disease axonal type 2O. Also called: CHARCOT-MARIE-TOOTH NEUROPATHY, AXONAL, TYPE 2O; CHARCOT-MARIE-TOOTH DISEASE, AXONAL, AUTOSOMAL DOMINANT, TYPE 2O; Charcot-Marie-Tooth Neuropathy Type 2O; Charcot-Marie-Tooth disease, axonal, type 20. Identifiers: Orphanet 284232, MedGen C3280220, MONDO:0013644, OMIM 614228.

Allele frequency attached by ClinVar (database versions not stated): gnomAD exomes below 0.00001.
gnomAD v4.1: 1 of 1,614,168 alleles (0.000062%); highest among the groups gnomAD compares: Non-Finnish European, 0.000085%; no homozygotes.

Submission:

Labcorp Genetics (formerly Invitae), Labcorp
Classification: Uncertain significance for Charcot-Marie-Tooth disease axonal type 2O. Last evaluated: 2023-05-01. Review status: criteria provided, single submitter. Criteria: Invitae Variant Classification Sherloc (09022015). Collection method: clinical testing. Allele origin: germline.
Comment: In summary, the available evidence is currently insufficient to determine the role of this variant in disease. Therefore, it has been classified as a Variant of Uncertain Significance. Advanced modeling of protein sequence and biophysical properties (such as structural, functional, and spatial information, amino acid conservation, physicochemical variation, residue mobility, and thermodynamic stability) performed at Invitae indicates that this missense variant is not expected to disrupt DYNC1H1 protein function. This variant has not been reported in the literature in individuals affected with DYNC1H1-related conditions. This variant is not present in population databases (gnomAD no frequency). This sequence change replaces threonine, which is neutral and polar, with alanine, which is neutral and non-polar, at codon 1740 of the DYNC1H1 protein (p.Thr1740Ala).